The following is an entry in ClinVar:

NM_001040108.2(MLH3):c.1460A>G (p.His487Arg)

Gene: MLH3 (mutL homolog 3; minus strand). Cytogenetic location: 14q24.3.
Variant type: single nucleotide variant.
Coding change: c.1460A>G on transcript NM_001040108.2 (MANE Select); coding-DNA position 1460, A replaced by G.
Protein change: p.His487Arg; replaces histidine 487 with arginine.
Molecular consequence: missense variant.
Genome position (GRCh38, 1-based): chr14:75,048,196, T>C on the plus strand (A>G on the coding strand, the complement: MLH3 is on the minus strand). VCF-style: chr14-75048196-T-C. GRCh37 (hg19) VCF-style: chr14-75514899-T-C.
Other names: c.1460A>G, p.His487Arg (NM_014381.3); short protein forms H487R.
Identifiers: ClinVar variation 1773146 (VCV001773146.3), dbSNP rs372854695, ClinGen allele CA7275870.

ClinVar aggregate classification (germline): Uncertain significance (1 of 4 stars; one submission).

Allele frequency attached by ClinVar (database versions not stated): ESP Exome Variant Server 0.00008; gnomAD 0.00001; TOPMed below 0.00001; ExAC 0.00001.
gnomAD v4.1: 1 of 1,613,622 alleles (0.000062%); highest among the groups gnomAD compares: African/African-American, 0.0013%; no homozygotes.

Submission:

Ambry Genetics
Classification: Uncertain significance. Last evaluated: 2025-10-16. Review status: criteria provided, single submitter. Criteria: Ambry Variant Classification Scheme 2023. Collection method: clinical testing. Allele origin: germline.
Comment: The p.H487R variant (also known as c.1460A>G), located in coding exon 1 of the MLH3 gene, results from an A to G substitution at nucleotide position 1460. The histidine at codon 487 is replaced by arginine, an amino acid with highly similar properties. This amino acid position is conserved. In addition, this alteration is predicted to be tolerated by in silico analysis. Since supporting evidence is limited at this time, the clinical significance of this alteration remains unclear.